The following is an entry in ClinVar:

NM_001377.3(DYNC2H1):c.6614G>A (p.Arg2205His)

Gene: DYNC2H1 (dynein cytoplasmic 2 heavy chain 1; plus strand). Cytogenetic location: 11q22.3.
Variant type: single nucleotide variant.
Coding change: c.6614G>A on transcript NM_001377.3 (MANE Select); coding-DNA position 6614, G replaced by A.
Protein change: p.Arg2205His; replaces arginine 2205 with histidine.
Molecular consequence: missense variant.
Genome position (GRCh38, 1-based): chr11:103,185,032, G>A. VCF-style: chr11-103185032-G-A. GRCh37 (hg19) VCF-style: chr11-103055761-G-A.
Other names: c.6614G>A, p.Arg2205His (NM_001080463.2); short protein forms R2205H.
Identifiers: ClinVar variation 6507 (VCV000006507.23), dbSNP rs137853031, ClinGen allele CA210507.

ClinVar aggregate classification (germline): Pathogenic/Likely pathogenic. Review status: criteria provided, multiple submitters, no conflicts (2 of 4 stars). 11 submissions from 9 submitters: Pathogenic (2); Likely pathogenic (4). 5 of the submissions do not count toward it. Last evaluated 2025-09-05.

Conditions:
DYNC2H1-related disorder. Also called: DYNC2H1-related condition; DYNC2H1-related disorders. Identifiers: MedGen CN378770.
Jeune thoracic dystrophy. Also called: Short-rib thoracic dysplasia; Jeune syndrome; Infantile thoracic dystrophy; Thoracic pelvic phalangeal dystrophy; Jeune's syndrome; Chondroectodermal dysplasia-like syndrome. Identifiers: Orphanet 474, MedGen C0265275, MONDO:0018770.
Asphyxiating thoracic dystrophy 3. Also called: Saldino-Noonan Syndrome; SHORT-RIB THORACIC DYSPLASIA 3 WITH OR WITHOUT POLYDACTYLY; POLYDACTYLY WITH NEONATAL CHONDRODYSTROPHY, TYPE I; SHORT-RIB THORACIC DYSPLASIA 3/6 WITH POLYDACTYLY, DIGENIC; Short rib polydactyly syndrome 2B. Identifiers: Orphanet 474, Orphanet 93269, Orphanet 93270, Orphanet 93271, MedGen C0036069, MONDO:0013127, OMIM 613091.

Allele frequency attached by ClinVar (database versions not stated): gnomAD exomes below 0.00001 and 0.00001; TOPMed 0.00002.
gnomAD v4.1: 13 of 1,609,084 alleles (0.00081%); highest among the groups gnomAD compares: East Asian, 0.0022%; no homozygotes.

Submissions (11):

Myriad Genetics, Inc.
Classification: Likely pathogenic for Asphyxiating thoracic dystrophy 3. Last evaluated: 2025-09-05. Review status: criteria provided, single submitter. Criteria: Myriad Autosomal Dominant, Autosomal Recessive and X-Linked Classification Criteria (2023). Collection method: clinical testing. Allele origin: unknown.
Comment: NM_001377.2(DYNC2H1):c.6614G>A(R2205H) is a missense variant classified as likely pathogenic in the context of DYNC2H1-related disorders. R2205H has been observed in cases with relevant disease (PMID: 19361615, 34627339, 29068549, 40078074). Relevant functional assessments of this variant are not available in the literature. R2205H has been observed in referenced population frequency databases. In summary, NM_001377.2(DYNC2H1):c.6614G>A(R2205H) is a missense variant that has been observed more frequently in cases with the relevant disease than in healthy populations. Please note: this variant was assessed in the context of healthy population screening.

Labcorp Genetics (formerly Invitae), Labcorp
Classification: Pathogenic for Jeune thoracic dystrophy. Last evaluated: 2024-08-12. Review status: criteria provided, single submitter. Criteria: Invitae Variant Classification Sherloc (09022015). Collection method: clinical testing. Allele origin: germline.
Comment: This sequence change replaces arginine, which is basic and polar, with histidine, which is basic and polar, at codon 2205 of the DYNC2H1 protein (p.Arg2205His). This variant is present in population databases (rs137853031, gnomAD 0.003%). This missense change has been observed in individual(s) with short rib polydactyly syndrome (PMID: 19361615, 29068549). In at least one individual the data is consistent with being in trans (on the opposite chromosome) from a pathogenic variant. ClinVar contains an entry for this variant (Variation ID: 6507). Advanced modeling of protein sequence and biophysical properties (such as structural, functional, and spatial information, amino acid conservation, physicochemical variation, residue mobility, and thermodynamic stability) performed at Invitae indicates that this missense variant is expected to disrupt DYNC2H1 protein function with a positive predictive value of 95%. For these reasons, this variant has been classified as Pathogenic.

Genetics and Molecular Pathology, SA Pathology
Classification: Likely pathogenic for Asphyxiating thoracic dystrophy 3. Last evaluated: 2022-10-04. Review status: criteria provided, single submitter. Criteria: ACMG Guidelines, 2015. Collection method: clinical testing. Allele origin: germline. Inheritance: Autosomal recessive inheritance. Affected: yes.
Comment: The DYNC2H1 c.6614G>A variant is classified as Likely Pathogenic (PS4_Moderate, PM2, PM3) The DYNC2H1 c.6614G>A variant is a single nucleotide change in exon 41 of 89 of the DYNC2H1 gene, which is predicted to change the amino acid arginine at position 2205 in the protein to histidine. The variant has been reported in at least 2 probands with a clinical presentation of short rib-polydactyly syndrome (PMID:19361615, PMID:29068549) (PS4_Moderate). This variant is absent from population databases (PM2). The phase of this variant with the p.Trp860Ter variant cannot be determined without parental studies. However, this variant was reported to be in trans with a pathogenic variant p.Arg2838Ter for this recessive condition (PMID:19361615) (PM3). Computational predictions provide conflicting interpretations of pathogenicity for this variant (PP3 and BP4 not met). The variant has been reported in dbSNP (rs137853031) and in the HGMD database: CM091950. It has been reported as Pathogenic/Likely pathogenic by other diagnostic laboratories (ClinVar Variation ID: 6507).

Department of Maternal-Fetal Biology, National Research Institute for Child Health and Development
Classification: Likely pathogenic for Asphyxiating thoracic dystrophy 3. Last evaluated: 2022-01-01. Review status: criteria provided, single submitter. Criteria: ACMG Guidelines, 2015. Collection method: research. Allele origin: paternal. Affected: yes. Observed: 1 variant allele.

Blueprint Genetics
Classification: Pathogenic for DYNC2H1-related disorders. Last evaluated: 2019-08-05. Review status: criteria provided, single submitter. Criteria: ACMG Guidelines, 2015. Collection method: clinical testing. Allele origin: germline. Affected: yes. Observed: 2 variant alleles.

ARUP Laboratories, Molecular Genetics and Genomics, ARUP Laboratories
Classification: Likely pathogenic. Last evaluated: 2017-08-18. Review status: criteria provided, single submitter. Criteria: ARUP Molecular Germline Variant Investigation Process. Collection method: clinical testing. Allele origin: germline.

Dan Cohn Lab, University Of California Los Angeles
Classification: Pathogenic for Asphyxiating thoracic dystrophy 3. Last evaluated: 2017-06-01. Review status: no assertion criteria provided. Collection method: research. Allele origin: unknown. Affected: yes. Not counted in ClinVar's aggregate classification.

Dan Cohn Lab, University Of California Los Angeles
Classification: Pathogenic for Asphyxiating thoracic dystrophy. Last evaluated: 2017-06-01. Review status: no assertion criteria provided. Collection method: research. Allele origin: paternal. Affected: yes. Not counted in ClinVar's aggregate classification.

OMIM
Classification: Pathogenic for SHORT-RIB THORACIC DYSPLASIA 3 WITH POLYDACTYLY. Last evaluated: 2009-04-01. Review status: no assertion criteria provided. Collection method: literature only. Allele origin: germline. Not counted in ClinVar's aggregate classification.

University of Washington Center for Mendelian Genomics, University of Washington
Classification: Likely pathogenic for Asphyxiating thoracic dystrophy 3. Review status: no assertion criteria provided. Collection method: research. Allele origin: inherited. Affected: yes. Not counted in ClinVar's aggregate classification.

University of Washington Center for Mendelian Genomics, University of Washington
Classification: Likely pathogenic for asphyxiating thoracic dystrophy. Review status: no assertion criteria provided. Collection method: research. Allele origin: inherited. Affected: yes. Not counted in ClinVar's aggregate classification.

Literature cited by the submitters: PubMed 19361615 (cited by 4 submitters); PubMed 29068549 (cited by 5 submitters); PubMed 34627339 (cited by Myriad Genetics, Inc.); PubMed 40078074 (cited by Myriad Genetics, Inc.).